The following is an entry in ClinVar:

ClinVar aggregate classification (germline): Uncertain significance. Review status: criteria provided, multiple submitters, no conflicts (2 of 4 stars). 2 submissions from 2 submitters: Uncertain significance (2). Last evaluated 2025-08-14.

Conditions:
Inborn genetic diseases. Identifiers: MedGen C0950123, MeSH D030342.

gnomAD v4.1: 5 of 1,614,152 alleles (0.00031%); highest among the groups gnomAD compares: Admixed American, 0.0083%; no homozygotes.

Submissions (2):

Ambry Genetics
Classification: Uncertain significance for Inborn genetic diseases. Last evaluated: 2025-08-14. Review status: criteria provided, single submitter. Criteria: Ambry Variant Classification Scheme 2023. Collection method: clinical testing. Allele origin: germline.

Labcorp Genetics (formerly Invitae), Labcorp
Classification: Uncertain significance. Last evaluated: 2021-12-02. Review status: criteria provided, single submitter. Criteria: Invitae Variant Classification Sherloc (09022015). Collection method: clinical testing. Allele origin: germline.
Comment: This sequence change replaces glycine, which is neutral and non-polar, with cysteine, which is neutral and slightly polar, at codon 99 of the USH1C protein (p.Gly99Cys). This variant is present in population databases (rs370054635, gnomAD 0.009%). This variant has not been reported in the literature in individuals affected with USH1C-related conditions. Algorithms developed to predict the effect of missense changes on protein structure and function (SIFT, PolyPhen-2, Align-GVGD) all suggest that this variant is likely to be disruptive. In summary, the available evidence is currently insufficient to determine the role of this variant in disease. Therefore, it has been classified as a Variant of Uncertain Significance.

NM_153676.4(USH1C):c.295G>T (p.Gly99Cys)

Gene: USH1C (USH1 protein network component harmonin; minus strand). Cytogenetic location: 11p15.1.
Variant type: single nucleotide variant.
Coding change: c.295G>T on transcript NM_153676.4 (MANE Select); coding-DNA position 295, G replaced by T.
Protein change: p.Gly99Cys; replaces glycine 99 with cysteine.
Molecular consequence: missense variant. On other transcripts: non-coding transcript variant (1).
Genome position (GRCh38, 1-based): chr11:17,531,246, C>A on the plus strand (G>T on the coding strand, the complement: USH1C is on the minus strand). VCF-style: chr11-17531246-C-A. GRCh37 (hg19) VCF-style: chr11-17552793-C-A.
Other names: c.295G>T, p.Gly99Cys (NM_001297764.2, NM_005709.4); c.295G>T (NM_005709.3); short protein forms G99C.
Identifiers: ClinVar variation 1519719 (VCV001519719.5), dbSNP rs370054635, ClinGen allele CA5905101.